The following is an entry in ClinVar:

ClinVar aggregate classification (germline): Pathogenic (1 of 4 stars; one submission).

Submission:

Labcorp Genetics (formerly Invitae), Labcorp
Classification: Pathogenic. Last evaluated: 2023-06-03. Review status: criteria provided, single submitter. Criteria: Invitae Variant Classification Sherloc (09022015). Collection method: clinical testing. Allele origin: germline.
Comment: For these reasons, this variant has been classified as Pathogenic. This variant has not been reported in the literature in individuals affected with RUSC2-related conditions. This variant is not present in population databases (gnomAD no frequency). This sequence change creates a premature translational stop signal (p.Ala1254Glufs*69) in the RUSC2 gene. It is expected to result in an absent or disrupted protein product. Loss-of-function variants in RUSC2 are known to be pathogenic (PMID: 27612186).

Literature cited by the submitters: PubMed 27612186.

NM_014806.5(RUSC2):c.3758_3759insTG (p.Ala1254fs)

Gene: RUSC2 (RUN and SH3 domain containing 2; plus strand). Cytogenetic location: 9p13.3.
Variant type: Insertion.
Coding change: c.3758_3759insTG on transcript NM_014806.5 (MANE Select); coding-DNA positions 3758 to 3759, TG inserted.
Protein change: p.Ala1254fs; shifts the reading frame from alanine 1254.
Molecular consequence: frameshift variant. On other transcripts: non-coding transcript variant (1).
Genome position: GRCh38 VCF-style: chr9-35560398-C-CTG. GRCh37 (hg19) VCF-style: chr9-35560395-C-CTG.
Other names: c.3758_3759insTG, p.Ala1254fs (NM_001135999.2); c.1124_1125insTG, p.Ala376fs (NM_001330740.2); short protein forms A1254fs, A376fs.
Identifiers: ClinVar variation 2758891 (VCV002758891.3), dbSNP rs2490416737, ClinGen allele CA2697557759.